The following is an entry in ClinVar:

NM_005902.4(SMAD3):c.269G>C (p.Arg90Pro)

Gene: SMAD3 (SMAD family member 3; plus strand). Cytogenetic location: 15q22.33.
Variant type: single nucleotide variant.
Coding change: c.269G>C on transcript NM_005902.4 (MANE Select); coding-DNA position 269, G replaced by C.
Protein change: p.Arg90Pro; replaces arginine 90 with proline.
Molecular consequence: missense variant. On other transcripts: 5 prime UTR variant (1).
Genome position (GRCh38, 1-based): chr15:67,164,957, G>C. VCF-style: chr15-67164957-G-C. GRCh37 (hg19) VCF-style: chr15-67457295-G-C.
Other names: c.-47G>C (NM_001145102.2, NM_001407015.1, NM_001407016.1); c.137G>C, p.Arg46Pro (NM_001145103.2); c.269G>C, p.Arg90Pro (NM_001407011.1, NM_001407012.1, NM_001407013.1); c.122G>C, p.Arg41Pro (NM_001407014.1); short protein forms R41P, R46P, R90P.
Identifiers: ClinVar variation 1794887 (VCV001794887.5), dbSNP rs886038803, ClinGen allele CA392953881.
Genomic context (GRCh38, chr15:67,164,957, plus strand): 5'-CCCTGGATGGCCGGTTGCAGGTGTCCCATCGGAAGGGGCTCCCTCATGTCATCTACTGCC[G>C]CCTGTGGCGATGGCCAGACCTGCACAGCCACCACGAGCTACGGGCCATGGAGCTGTGTGA-3'
Protein context (NP_005893.1, residues 80-100): RKGLPHVIYC[Arg90Pro]LWRWPDLHSH

ClinVar aggregate classification (germline): Uncertain significance. Review status: criteria provided, multiple submitters, no conflicts (2 of 4 stars). 3 submissions from 3 submitters: Uncertain significance (3). Last evaluated 2024-08-14.

Conditions:
Familial thoracic aortic aneurysm and aortic dissection (TAAD). Also called: Thoracic aortic aneurysms and dissections. Identifiers: Orphanet 91387, MedGen C4707243, MONDO:0019625.
Aneurysm-osteoarthritis syndrome. Also called: ANEURYSMS-OSTEOARTHRITIS SYNDROME; SMAD3-Related Loeys-Dietz Syndrome; Loeys-Dietz syndrome, type 1C; LOEYS-DIETZ SYNDROME WITH OSTEOARTHRITIS. Identifiers: Orphanet 284984, MedGen C3151087, MONDO:0013426, OMIM 613795.

Submissions (3):

Labcorp Genetics (formerly Invitae), Labcorp
Classification: Uncertain significance for Familial thoracic aortic aneurysm and aortic dissection. Last evaluated: 2024-08-14. Review status: criteria provided, single submitter. Criteria: Invitae Variant Classification Sherloc (09022015). Collection method: clinical testing. Allele origin: germline.
Comment: This sequence change replaces arginine, which is basic and polar, with proline, which is neutral and non-polar, at codon 90 of the SMAD3 protein (p.Arg90Pro). This variant is not present in population databases (gnomAD no frequency). This variant has not been reported in the literature in individuals affected with SMAD3-related conditions. ClinVar contains an entry for this variant (Variation ID: 1794887). Invitae Evidence Modeling of protein sequence and biophysical properties (such as structural, functional, and spatial information, amino acid conservation, physicochemical variation, residue mobility, and thermodynamic stability) indicates that this missense variant is expected to disrupt SMAD3 protein function with a positive predictive value of 80%. This variant disrupts the p.Arg90 amino acid residue in SMAD3. Other variant(s) that disrupt this residue have been determined to be pathogenic (PMID: 29392890, 29510914, 36495030). This suggests that this residue is clinically significant, and that variants that disrupt this residue are likely to be disease-causing. In summary, the available evidence is currently insufficient to determine the role of this variant in disease. Therefore, it has been classified as a Variant of Uncertain Significance.

All of Us Research Program, National Institutes of Health
Classification: Uncertain significance for Aneurysm-osteoarthritis syndrome. Last evaluated: 2024-05-09. Review status: criteria provided, single submitter. Criteria: ACMG Guidelines, 2015. Collection method: clinical testing. Allele origin: germline. Inheritance: Autosomal dominant inheritance. Observed: 1 variant allele, 1 heterozygote.
Comment: This study involves interpretation of variants in research participants for the purpose of population health screening. Participant phenotype was not available at the time of variant classification. Additional details can be found in publication PMID: 35346344, PMCID: PMC8962531

Ambry Genetics
Classification: Uncertain significance for Familial thoracic aortic aneurysm and aortic dissection. Last evaluated: 2019-06-21. Review status: criteria provided, single submitter. Criteria: Ambry Variant Classification Scheme 2023. Collection method: clinical testing. Allele origin: germline.
Comment: The p.R90P variant (also known as c.269G>C), located in coding exon 2 of the SMAD3 gene, results from a G to C substitution at nucleotide position 269. The arginine at codon 90 is replaced by proline, an amino acid with dissimilar properties. Other alterations affecting the same amino acid, p.R90H (c.269G>A) and p.R90C (c.268C>T), have been reported in association with Loeys Dietz syndrome and aortopathy, respectively (Schepers D et al. Hum. Mutat., 2018 05;39:621-634; Wooderchak-Donahue W et al. Am. J. Med. Genet. A, 2015 Aug;167A:1747-57). This amino acid position is highly conserved in available vertebrate species. In addition, this alteration is predicted to be deleterious by in silico analysis. Since supporting evidence is limited at this time, the clinical significance of this alteration remains unclear.

Literature cited by the submitters: PubMed 29392890 (cited by Labcorp Genetics (formerly Invitae), Labcorp); PubMed 29510914 (cited by Labcorp Genetics (formerly Invitae), Labcorp); PubMed 36495030 (cited by Labcorp Genetics (formerly Invitae), Labcorp); PubMed 25944730 (cited by Ambry Genetics).